The following is an entry in ClinVar:

NM_000548.5(TSC2):c.4029G>A (p.Glu1343=)

Gene: TSC2 (TSC complex subunit 2; plus strand). Cytogenetic location: 16p13.3.
Variant type: single nucleotide variant.
Coding change: c.4029G>A on transcript NM_000548.5 (MANE Select); coding-DNA position 4029, G replaced by A.
Protein change: p.Glu1343=; no amino-acid change (glutamic acid 1343 retained).
Molecular consequence: synonymous variant.
Genome position (GRCh38, 1-based): chr16:2,084,251, G>A. VCF-style: chr16-2084251-G-A. GRCh37 (hg19) VCF-style: chr16-2134252-G-A.
Other names: c.3828G>A, p.Glu1276= (NM_001077183.3); c.3960G>A, p.Glu1320= (NM_001114382.3); c.3720G>A, p.Glu1240= (NM_001318827.2); c.3684G>A, p.Glu1228= (NM_001318829.2); c.3297G>A, p.Glu1099= (NM_001318831.2); c.3861G>A, p.Glu1287= (NM_001318832.2); c.3831G>A, p.Glu1277= (NM_001363528.2); c.3897G>A, p.Glu1299= (NM_001370404.1); and 1 more.
Identifiers: ClinVar variation 413703 (VCV000413703.15), dbSNP rs752502287, ClinGen allele CA16614735.

ClinVar aggregate classification (germline): Benign/Likely benign. Review status: criteria provided, multiple submitters, no conflicts (2 of 4 stars). 4 submissions from 4 submitters: Benign (1); Likely benign (3). Last evaluated 2025-12-22.

Conditions:
Hereditary cancer-predisposing syndrome. Also called: Tumor predisposition; Neoplastic Syndromes, Hereditary; Hereditary Cancer Syndrome; Hereditary neoplastic syndrome. Identifiers: Orphanet 140162, MedGen C0027672, MeSH D009386, MONDO:0015356.
Tuberous sclerosis syndrome (TSC). Also called: Tuberous Sclerosis Complex; Tuberous sclerosis. Identifiers: Orphanet 805, MedGen C0041341, MONDO:0001734.
Tuberous sclerosis 2 (TSC2). Identifiers: Orphanet 805, MedGen C1860707, MONDO:0013199, OMIM 613254.

Allele frequency attached by ClinVar (database versions not stated): TOPMed below 0.00001.
gnomAD v4.1: 3 of 1,602,400 alleles (0.00019%); highest among the groups gnomAD compares: Non-Finnish European, 0.00026%; no homozygotes.

Submissions (4):

Labcorp Genetics (formerly Invitae), Labcorp
Classification: Likely benign for Tuberous sclerosis 2. Last evaluated: 2025-12-22. Review status: criteria provided, single submitter. Criteria: Invitae Variant Classification Sherloc (09022015). Collection method: clinical testing. Allele origin: germline.

Myriad Genetics, Inc.
Classification: Benign for Tuberous sclerosis 2. Last evaluated: 2025-06-02. Review status: criteria provided, single submitter. Criteria: Myriad Autosomal Dominant, Autosomal Recessive and X-Linked Classification Criteria (2023). Collection method: clinical testing. Allele origin: unknown.
Comment: This variant is considered benign. This variant is a silent/synonymous amino acid change and it is not expected to impact splicing.

Color Diagnostics, LLC DBA Color Health
Classification: Likely benign for Tuberous sclerosis syndrome. Last evaluated: 2022-10-05. Review status: criteria provided, single submitter. Criteria: ACMG Guidelines, 2015. Collection method: clinical testing. Allele origin: germline.

Ambry Genetics
Classification: Likely benign for Hereditary cancer-predisposing syndrome. Last evaluated: 2022-01-28. Review status: criteria provided, single submitter. Criteria: Ambry Variant Classification Scheme 2023. Collection method: clinical testing. Allele origin: germline.